The following is an entry in ClinVar:

NM_000152.5(GAA):c.170A>C (p.Gln57Pro)

Gene: GAA (alpha glucosidase; plus strand). Cytogenetic location: 17q25.3.
Variant type: single nucleotide variant.
Coding change: c.170A>C on transcript NM_000152.5 (MANE Select); coding-DNA position 170, A replaced by C.
Protein change: p.Gln57Pro; replaces glutamine 57 with proline.
Molecular consequence: missense variant.
Genome position (GRCh38, 1-based): chr17:80,104,756, A>C. VCF-style: chr17-80104756-A-C. GRCh37 (hg19) VCF-style: chr17-78078555-A-C.
Other names: c.170A>C, p.Gln57Pro (NM_001406741.1, NM_001406742.1, NM_001079803.3 and 1 more transcripts); short protein forms Q57P.
Identifiers: ClinVar variation 4737159 (VCV004737159.1).

ClinVar aggregate classification (germline): Uncertain significance (1 of 4 stars; one submission).

Conditions:
Glycogen storage disease, type II (IOPD). Also called: Glucosidase acid-1,4-alpha deficiency; Pompe Disease; GLYCOGENOSIS, GENERALIZED, CARDIAC FORM; GSD II; Glycogen storage disease type 2; Acid maltase deficiency disease. Identifiers: Orphanet 365, MedGen C0017921, MONDO:0009290, OMIM 232300.

Submission:

Labcorp Genetics (formerly Invitae), Labcorp
Classification: Uncertain significance for Glycogen storage disease, type II. Last evaluated: 2025-04-02. Review status: criteria provided, single submitter. Criteria: Invitae Variant Classification Sherloc (09022015). Collection method: clinical testing. Allele origin: germline.
Comment: This sequence change replaces glutamine, which is neutral and polar, with proline, which is neutral and non-polar, at codon 57 of the GAA protein (p.Gln57Pro). This variant is not present in population databases (gnomAD no frequency). This variant has not been reported in the literature in individuals affected with GAA-related conditions. Invitae Evidence Modeling of protein sequence and biophysical properties (such as structural, functional, and spatial information, amino acid conservation, physicochemical variation, residue mobility, and thermodynamic stability) indicates that this missense variant is not expected to disrupt GAA protein function with a negative predictive value of 95%. In summary, the available evidence is currently insufficient to determine the role of this variant in disease. Therefore, it has been classified as a Variant of Uncertain Significance.